The following is an entry in ClinVar:

NM_002432.3(MNDA):c.189C>A (p.Asp63Glu)

Gene: MNDA (myeloid cell nuclear differentiation antigen; plus strand). Cytogenetic location: 1q23.1.
Variant type: single nucleotide variant.
Coding change: c.189C>A on transcript NM_002432.3 (MANE Select); coding-DNA position 189, C replaced by A.
Protein change: p.Asp63Glu; replaces aspartic acid 63 with glutamic acid.
Molecular consequence: missense variant.
Genome position (GRCh38, 1-based): chr1:158,842,342, C>A. VCF-style: chr1-158842342-C-A. GRCh37 (hg19) VCF-style: chr1-158812132-C-A.
Other names: short protein forms D63E.
Identifiers: ClinVar variation 3222180 (VCV003222180.1), dbSNP rs200974038, ClinGen allele CA343036996.

ClinVar aggregate classification (germline): Uncertain significance (1 of 4 stars; one submission).

Submission:

Ambry Genetics
Classification: Uncertain significance. Last evaluated: 2024-02-16. Review status: criteria provided, single submitter. Criteria: Ambry Variant Classification Scheme 2023. Collection method: clinical testing. Allele origin: germline.
Comment: The p.D63E variant (also known as c.189C>A), located in coding exon 1 of the MNDA gene, results from a C to A substitution at nucleotide position 189. The aspartic acid at codon 63 is replaced by glutamic acid, an amino acid with highly similar properties. This amino acid position is conserved. In addition, this alteration is predicted to be tolerated by in silico analysis. Based on the available evidence, the clinical significance of this alteration remains unclear.